The following is an entry in ClinVar:

NM_002878.4(RAD51D):c.144+5G>A

Genes: RAD51L3-RFFL (RAD51L3-RFFL readthrough; minus strand), RAD51D (RAD51 paralog D; minus strand). Cytogenetic location: 17q12.
Variant type: single nucleotide variant.
Coding change: c.144+5G>A on transcript NM_002878.4 (MANE Select); 5 bases into the intron after coding-DNA position 144, G replaced by A.
Molecular consequence: intron variant.
Genome position (GRCh38, 1-based): chr17:35,119,106, C>T on the plus strand (G>A on the coding strand, the complement: RAD51D is on the minus strand). VCF-style: chr17-35119106-C-T. GRCh37 (hg19) VCF-style: chr17-33446125-C-T.
Other names: c.144+5G>A (NM_133629.3, NM_001142571.2).
Identifiers: ClinVar variation 819223 (VCV000819223.12), dbSNP rs876659159, ClinGen allele CA915949995.
Genomic context (GRCh38, chr17:35,119,106, plus strand): 5'-AGCTGGCTTGGGATGGACTTTTTAAAAAGACACTCAGGTTTGGAATGTGGAGATCAGGAG[C>T]TCACCTTGTAAGACAAGCCACATTTCTGAGCTACCTCTTCCAGGTCTGCAGAAACCAGGT-3'

ClinVar aggregate classification (germline): Uncertain significance. Review status: criteria provided, multiple submitters, no conflicts (2 of 4 stars). 3 submissions from 3 submitters: Uncertain significance (3). Last evaluated 2024-10-03.

Conditions:
Hereditary cancer-predisposing syndrome. Also called: Tumor predisposition; Hereditary neoplastic syndrome; Neoplastic Syndromes, Hereditary; Hereditary Cancer Syndrome. Identifiers: Orphanet 140162, MedGen C0027672, MeSH D009386, MONDO:0015356.
Breast-ovarian cancer, familial, susceptibility to, 4. Identifiers: Orphanet 145, MedGen C3280345, MONDO:0013669, OMIM 614291.

Allele frequency attached by ClinVar (database versions not stated): TOPMed below 0.00001; gnomAD 0.00001; gnomAD exomes 0.00001.
gnomAD v4.1: 4 of 1,612,072 alleles (0.00025%); highest among the groups gnomAD compares: Non-Finnish European, 0.00034%; no homozygotes.

Submissions (3):

Ambry Genetics
Classification: Uncertain significance for Hereditary cancer-predisposing syndrome. Last evaluated: 2024-10-03. Review status: criteria provided, single submitter. Criteria: Ambry Variant Classification Scheme 2023. Collection method: clinical testing. Allele origin: germline.
Comment: The c.144+5G>A intronic variant results from a G to A substitution 5 nucleotides after coding exon 2 in the RAD51D gene. This nucleotide position is highly conserved in available vertebrate species. In silico splice site analysis predicts that this alteration may weaken the native splice donor site. RNA studies have demonstrated that this alteration results in a splice defect; the clinical impact of this abnormal splicing is unknown at this time (Ambry internal data). Based on the available evidence, the clinical significance of this variant remains unclear.

Labcorp Genetics (formerly Invitae), Labcorp
Classification: Uncertain significance for Breast-ovarian cancer, familial, susceptibility to, 4. Last evaluated: 2024-06-23. Review status: criteria provided, single submitter. Criteria: Invitae Variant Classification Sherloc (09022015). Collection method: clinical testing. Allele origin: germline.
Comment: This sequence change falls in intron 2 of the RAD51D gene. It does not directly change the encoded amino acid sequence of the RAD51D protein. It affects a nucleotide within the consensus splice site. This variant is not present in population databases (gnomAD no frequency). This variant has not been reported in the literature in individuals affected with RAD51D-related conditions. ClinVar contains an entry for this variant (Variation ID: 819223). Variants that disrupt the consensus splice site are a relatively common cause of aberrant splicing (PMID: 17576681, 9536098). Algorithms developed to predict the effect of sequence changes on RNA splicing suggest that this variant may disrupt the consensus splice site. In summary, the available evidence is currently insufficient to determine the role of this variant in disease. Therefore, it has been classified as a Variant of Uncertain Significance.

GeneDx
Classification: Uncertain significance. Last evaluated: 2019-06-26. Review status: criteria provided, single submitter. Criteria: GeneDx Variant Classification Process June 2021. Collection method: clinical testing. Allele origin: germline. Affected: yes.
Comment: Not observed in large population cohorts (Lek 2016); In silico analysis, which includes splice predictors and evolutionary conservation, supports a deleterious effect; Has not been previously published as pathogenic or benign to our knowledge

Literature cited by the submitters: PubMed 17576681 (cited by Labcorp Genetics (formerly Invitae), Labcorp); PubMed 9536098 (cited by Labcorp Genetics (formerly Invitae), Labcorp).